The following is an entry in ClinVar:

ClinVar aggregate classification (germline): Uncertain significance (1 of 4 stars; one submission).

Conditions:
Mendelian susceptibility to mycobacterial diseases due to complete IL12RB1 deficiency. Also called: IL12RB1 DEFICIENCY; Immunodeficiency 30. Identifiers: Orphanet 319552, MedGen C4013949, MONDO:0013955, OMIM 614891.

Submission:

Labcorp Genetics (formerly Invitae), Labcorp
Classification: Uncertain significance for Mendelian susceptibility to mycobacterial diseases due to complete IL12RB1 deficiency. Last evaluated: 2023-12-15. Review status: criteria provided, single submitter. Criteria: Invitae Variant Classification Sherloc (09022015). Collection method: clinical testing. Allele origin: germline.
Comment: This variant, c.887_892dup, results in the insertion of 2 amino acid(s) of the IL12RB1 protein (p.Lys296_Ala297dup), but otherwise preserves the integrity of the reading frame. This variant is present in population databases (rs746948689, gnomAD 0.03%). This variant has not been reported in the literature in individuals affected with IL12RB1-related conditions. Experimental studies and prediction algorithms are not available or were not evaluated, and the functional significance of this variant is currently unknown. In summary, the available evidence is currently insufficient to determine the role of this variant in disease. Therefore, it has been classified as a Variant of Uncertain Significance.

NM_005535.3(IL12RB1):c.881AGGCCA[3] (p.Ala297_Thr298insLysAla)

Gene: IL12RB1 (interleukin 12 receptor subunit beta 1; minus strand). Cytogenetic location: 19p13.11.
Variant type: Microsatellite.
Coding change: c.881AGGCCA[3] on transcript NM_005535.3 (MANE Select); three copies in a row of the 6-base unit AGGCCA starting at c.881; the reference has two copies in a row; one copy, 6 bases duplicated.
Protein change: p.Ala297_Thr298insLysAla.
Molecular consequence: inframe insertion. On other transcripts: inframe indel (1).
Genome position (GRCh38, 1-based): chr19:18,072,241-18,072,246, TGGCCT duplicated on the plus strand (AGGCCA on the coding strand, the reverse complement: IL12RB1 is on the minus strand); duplicating any 6 consecutive bases within chr19:18,072,241-18,072,253 gives the same sequence; the position shown is the placement nearest the transcript's 3' end. VCF-style (leftmost placement, unchanged base first): chr19-18072240-G-GTGGCCT. GRCh37 (hg19) VCF-style: chr19-18183050-G-GTGGCCT.
Other names: c.881AGGCCA[3], p.Ala297_Thr298insLysAla (NM_153701.3, NM_001290023.2); c.1000_1005AAGGCC[3], p.Ala337_Thr338insLysAla (NM_001290024.2).
Identifiers: ClinVar variation 1013710 (VCV001013710.6), dbSNP rs746948689, ClinGen allele CA9305035.